The following is an entry in ClinVar:

ClinVar aggregate classification (germline): Uncertain significance (1 of 4 stars; one submission).

Allele frequency attached by ClinVar (database versions not stated): ExAC 0.00001; gnomAD exomes 0.00001.

Submission:

Labcorp Genetics (formerly Invitae), Labcorp
Classification: Uncertain significance. Last evaluated: 2021-08-23. Review status: criteria provided, single submitter. Criteria: Invitae Variant Classification Sherloc (09022015). Collection method: clinical testing. Allele origin: germline.
Comment: This sequence change replaces arginine with threonine at codon 22 of the TYR protein (p.Arg22Thr). The arginine residue is moderately conserved and there is a moderate physicochemical difference between arginine and threonine. This variant is present in population databases (rs781056780, ExAC 0.009%). This variant has not been reported in the literature in individuals affected with TYR-related conditions. Advanced modeling of protein sequence and biophysical properties (such as structural, functional, and spatial information, amino acid conservation, physicochemical variation, residue mobility, and thermodynamic stability) performed at Invitae indicates that this missense variant is expected to disrupt TYR protein function. In summary, the available evidence is currently insufficient to determine the role of this variant in disease. Therefore, it has been classified as a Variant of Uncertain Significance.

NM_000372.5(TYR):c.65G>C (p.Arg22Thr)

Gene: TYR (tyrosinase; plus strand). Cytogenetic location: 11q14.3.
Variant type: single nucleotide variant.
Coding change: c.65G>C on transcript NM_000372.5 (MANE Select); coding-DNA position 65, G replaced by C.
Protein change: p.Arg22Thr; replaces arginine 22 with threonine.
Molecular consequence: missense variant.
Genome position (GRCh38, 1-based): chr11:89,178,018, G>C. VCF-style: chr11-89178018-G-C. GRCh37 (hg19) VCF-style: chr11-88911186-G-C.
Other names: short protein forms R22T.
Identifiers: ClinVar variation 1449610 (VCV001449610.3), dbSNP rs781056780, ClinGen allele CA6221031.
Genomic context (GRCh38, chr11:89,178,018, plus strand): 5'-TCCTGGCTGTTTTGTACTGCCTGCTGTGGAGTTTCCAGACCTCCGCTGGCCATTTCCCTA[G>C]AGCCTGTGTCTCCTCTAAGAACCTGATGGAGAAGGAATGCTGTCCACCGTGGAGCGGGGA-3'
Protein context (NP_000363.1, residues 12-32): SFQTSAGHFP[Arg22Thr]ACVSSKNLME